The following is an entry in ClinVar:

ClinVar aggregate classification (germline): Likely pathogenic (1 of 4 stars; one submission).

Conditions:
LAMA2-related muscular dystrophy (LAMA2-RD). Also called: Laminin alpha 2-related dystrophy. Identifiers: MedGen C5679788, MONDO:0100228.

Submission:

Labcorp Genetics (formerly Invitae), Labcorp
Classification: Likely pathogenic for LAMA2-related muscular dystrophy. Last evaluated: 2023-06-16. Review status: criteria provided, single submitter. Criteria: Invitae Variant Classification Sherloc (09022015). Collection method: clinical testing. Allele origin: germline.
Comment: In summary, the currently available evidence indicates that the variant is pathogenic, but additional data are needed to prove that conclusively. Therefore, this variant has been classified as Likely Pathogenic. This sequence change affects a donor splice site in intron 42 of the LAMA2 gene. It is expected to disrupt RNA splicing. Variants that disrupt the donor or acceptor splice site typically lead to a loss of protein function (PMID: 16199547), and loss-of-function variants in LAMA2 are known to be pathogenic (PMID: 18700894, 32904964). This variant is not present in population databases (gnomAD no frequency). This variant has not been reported in the literature in individuals affected with LAMA2-related conditions. Algorithms developed to predict the effect of sequence changes on RNA splicing suggest that this variant may disrupt the consensus splice site.

Literature cited by the submitters: PubMed 16199547; PubMed 18700894; PubMed 32904964.

NM_000426.4(LAMA2):c.6085+2T>A

Gene: LAMA2 (laminin subunit alpha 2; plus strand). Cytogenetic location: 6q22.33.
Variant type: single nucleotide variant.
Coding change: c.6085+2T>A on transcript NM_000426.4 (MANE Select); the canonical splice donor site of the intron after coding-DNA position 6085, T replaced by A.
Molecular consequence: splice donor variant.
Genome position (GRCh38, 1-based): chr6:129,438,764, T>A. VCF-style: chr6-129438764-T-A. GRCh37 (hg19) VCF-style: chr6-129759909-T-A.
Other names: c.6085+2T>A (NM_001079823.2).
Identifiers: ClinVar variation 2715505 (VCV002715505.3), dbSNP rs2533379741, ClinGen allele CA365628266.
Genomic context (GRCh38, chr6:129,438,764, plus strand): 5'-TGGGGATCTCTTGAGAACTTTGAATGACACTTTGGGAAAGTTATCAGCTATTCCAAATGG[T>A]AAGCATTCAGGACACTACCAACTGTGTCAGTTGACCTGAAGTTTTGAAGACTGTTGTTAA-3'